The following is an entry in ClinVar:

NM_000426.4(LAMA2):c.9052G>C (p.Gly3018Arg)

Gene: LAMA2 (laminin subunit alpha 2; plus strand). Cytogenetic location: 6q22.33.
Variant type: single nucleotide variant.
Coding change: c.9052G>C on transcript NM_000426.4 (MANE Select); coding-DNA position 9052, G replaced by C.
Protein change: p.Gly3018Arg; replaces glycine 3018 with arginine.
Molecular consequence: missense variant.
Genome position (GRCh38, 1-based): chr6:129,514,436, G>C. VCF-style: chr6-129514436-G-C. GRCh37 (hg19) VCF-style: chr6-129835581-G-C.
Other names: c.9040G>C, p.Gly3014Arg (NM_001079823.2); short protein forms G3014R, G3018R.
Identifiers: ClinVar variation 968942 (VCV000968942.6), dbSNP rs1395193971, ClinGen allele CA365636819.
Genomic context (GRCh38, chr6:129,514,436, plus strand): 5'-ATGTTTCATGTGGACAATGGTGCGGGCAGATTCACTGCTGTCTATGATGCTGGGGTTCCA[G>C]GGCATTTGTGTGATGGACAATGGCATAAAGTCACTGCCAACAAGATCAAACACCGCATTG-3'
Protein context (NP_000417.3, residues 3008-3028): FTAVYDAGVP[Gly3018Arg]HLCDGQWHKV

ClinVar aggregate classification (germline): Uncertain significance (1 of 4 stars; one submission).

Conditions:
LAMA2-related muscular dystrophy (LAMA2-RD). Also called: Laminin alpha 2-related dystrophy. Identifiers: MedGen C5679788, MONDO:0100228.

Allele frequency attached by ClinVar (database versions not stated): gnomAD exomes below 0.00001; TOPMed below 0.00001; gnomAD 0.00001.
gnomAD v4.1: 4 of 1,613,938 alleles (0.00025%); highest among the groups gnomAD compares: East Asian, 0.0022%; no homozygotes.

Submission:

Labcorp Genetics (formerly Invitae), Labcorp
Classification: Uncertain significance for LAMA2-related muscular dystrophy. Last evaluated: 2021-08-28. Review status: criteria provided, single submitter. Criteria: Invitae Variant Classification Sherloc (09022015). Collection method: clinical testing. Allele origin: germline.
Comment: This sequence change replaces glycine with arginine at codon 3018 of the LAMA2 protein (p.Gly3018Arg). The glycine residue is moderately conserved and there is a moderate physicochemical difference between glycine and arginine. This variant is not present in population databases (ExAC no frequency). This variant has not been reported in the literature in individuals affected with LAMA2-related conditions. Algorithms developed to predict the effect of missense changes on protein structure and function are either unavailable or do not agree on the potential impact of this missense change (SIFT: "Tolerated"; PolyPhen-2: "Probably Damaging"; Align-GVGD: "Class C0"). In summary, the available evidence is currently insufficient to determine the role of this variant in disease. Therefore, it has been classified as a Variant of Uncertain Significance.